The following is an entry in ClinVar:

NM_004369.4(COL6A3):c.1688A>T (p.Asp563Val)

Gene: COL6A3 (collagen type VI alpha 3 chain; minus strand). Cytogenetic location: 2q37.3.
Variant type: single nucleotide variant.
Coding change: c.1688A>T on transcript NM_004369.4 (MANE Select); coding-DNA position 1688, A replaced by T.
Protein change: p.Asp563Val; replaces aspartic acid 563 with valine.
Molecular consequence: missense variant.
Genome position (GRCh38, 1-based): chr2:237,381,124, T>A on the plus strand (A>T on the coding strand, the complement: COL6A3 is on the minus strand). VCF-style: chr2-237381124-T-A. GRCh37 (hg19) VCF-style: chr2-238289767-T-A.
Other names: c.467A>T, p.Asp156Val (NM_057164.5, NM_057166.5); c.1070A>T, p.Asp357Val (NM_057165.5, NM_057167.4); short protein forms D156V, D357V, D563V.
Identifiers: ClinVar variation 1720152 (VCV001720152.6), dbSNP rs112913396, ClinGen allele CA351217253.
Genomic context (GRCh38, chr2:237,381,124, plus strand): 5'-CCAATGGCAAAGGCCATTATGCTGCTTCTCTTCAGCTCCTGGGCAGGCTGGCTGATTTCA[T>A]CTAGGGACTTACCACCTGTGATCAGCACCAAAAGCTTAGGAATCCCCTCGGCAGCCCGGT-3'
Protein context (NP_004360.2, residues 553-573): LVLITGGKSL[Asp563Val]EISQPAQELK

ClinVar aggregate classification (germline): Uncertain significance (1 of 4 stars; one submission).

Conditions:
Bethlem myopathy 1A. Also called: MYOPATHY, BENIGN CONGENITAL, WITH CONTRACTURES; Bethlem Muscular Dystrophy; Bethlem myopathy 1. Identifiers: Orphanet 610, MedGen CN029274, MONDO:0024530, OMIM 158810.

gnomAD v4.1: 1 of 1,614,244 alleles (0.000062%); highest among the groups gnomAD compares: Non-Finnish European, 0.000085%; no homozygotes.

Submission:

Labcorp Genetics (formerly Invitae), Labcorp
Classification: Uncertain significance for Bethlem myopathy 1A. Last evaluated: 2022-09-23. Review status: criteria provided, single submitter. Criteria: Invitae Variant Classification Sherloc (09022015). Collection method: clinical testing. Allele origin: germline.
Comment: In summary, the available evidence is currently insufficient to determine the role of this variant in disease. Therefore, it has been classified as a Variant of Uncertain Significance. This variant has not been reported in the literature in individuals affected with COL6A3-related conditions. This variant is not present in population databases (gnomAD no frequency). This sequence change replaces aspartic acid, which is acidic and polar, with valine, which is neutral and non-polar, at codon 563 of the COL6A3 protein (p.Asp563Val). Advanced modeling of protein sequence and biophysical properties (such as structural, functional, and spatial information, amino acid conservation, physicochemical variation, residue mobility, and thermodynamic stability) performed at Invitae indicates that this missense variant is not expected to disrupt COL6A3 protein function.